The following is an entry in ClinVar:

ClinVar aggregate classification (germline): Pathogenic (1 of 4 stars; one submission).

Conditions:
Joubert syndrome. Also called: JOUBERT-BOLTSHAUSER SYNDROME; Familial aplasia of the vermis. Identifiers: Orphanet 475, MedGen C5979921, MONDO:0018772.
Meckel-Gruber syndrome. Also called: DYSENCEPHALIA SPLANCHNOCYSTICA; GRUBER SYNDROME; Dysencephalia splachnocystica. Identifiers: Orphanet 564, MedGen C0265215, MONDO:0018921.

Submission:

Labcorp Genetics (formerly Invitae), Labcorp
Classification: Pathogenic for Joubert syndrome; Meckel-Gruber syndrome. Last evaluated: 2025-06-12. Review status: criteria provided, single submitter. Criteria: Invitae Variant Classification Sherloc (09022015). Collection method: clinical testing. Allele origin: germline.
Comment: This sequence change creates a premature translational stop signal (p.Phe1376Cysfs*10) in the CC2D2A gene. It is expected to result in an absent or disrupted protein product. Loss-of-function variants in CC2D2A are known to be pathogenic (PMID: 19777577). This variant is not present in population databases (gnomAD no frequency). This variant has not been reported in the literature in individuals affected with CC2D2A-related conditions. ClinVar contains an entry for this variant (Variation ID: 2097613). Algorithms developed to predict the effect of sequence changes on RNA splicing suggest that this variant may disrupt the consensus splice site. For these reasons, this variant has been classified as Pathogenic.

Literature cited by the submitters: PubMed 19777577.

NM_001378615.1(CC2D2A):c.4127_4130del (p.Phe1376fs)

Genes: FBXL5 (F-box and leucine rich repeat protein 5; minus strand), CC2D2A (coiled-coil and C2 domain containing 2A; plus strand). Cytogenetic location: 4p15.32.
Variant type: Deletion.
Coding change: c.4127_4130del on transcript NM_001378615.1 (MANE Select); coding-DNA positions 4127 to 4130, 4 bases deleted (TTCT; older notation c.4127_4130delTTCT).
Protein change: p.Phe1376fs; shifts the reading frame from phenylalanine 1376.
Molecular consequence: frameshift variant.
Genome position (GRCh38, 1-based): chr4:15,587,877-15,587,880, TTCT deleted; deleting any 4 consecutive bases within chr4:15,587,875-15,587,880 gives the same sequence; the c. name uses the placement nearest the transcript's 3' end. VCF-style (leftmost placement, unchanged base first): chr4-15587874-ACTTT-A. GRCh37 (hg19) VCF-style: chr4-15589497-ACTTT-A.
Other names: c.4127_4130del, p.Phe1376fs (NM_001080522.2); c.3980_3983del, p.Phe1327fs (NM_001378617.1); short protein forms F1327fs, F1376fs.
Identifiers: ClinVar variation 2097613 (VCV002097613.4), dbSNP rs2475123994, ClinGen allele CA2580070888.
Genomic context (GRCh38, chr4:15,587,874, plus strand): 5'-AGCAATTTCTTGATCTCCTGGCAGGGGATGAAGAAGAACATGCAGTACTATTGTGTAATT[ACTTT>A]CTGTCTCTGGGTAAGAAGGCCTGGCTGTTGATGGGCAATGCTATTCCTGAGGTAAGACCA-3'